The following is an entry in ClinVar:

ClinVar aggregate classification (germline): Benign/Likely benign. Review status: criteria provided, multiple submitters, no conflicts (2 of 4 stars). 8 submissions from 8 submitters: Benign (4); Likely benign (4). Last evaluated 2026-03-23.

Conditions:
Fanconi anemia (FA). Also called: Fanconi's anemia. Identifiers: Orphanet 84, MedGen C0015625, MeSH D005199, MONDO:0019391.
Fanconi anemia complementation group D2. Also called: FANCD2-Related Fanconi Anemia; FANCONI PANCYTOPENIA, TYPE 4; FANCONI ANEMIA, COMPLEMENTATION GROUP D. Identifiers: Orphanet 84, MedGen C3160738, MONDO:0009214, OMIM 227646.
Hereditary breast ovarian cancer syndrome. Also called: Hereditary breast and/or ovarian cancer syndrome; Hereditary breast and ovarian cancer syndrome (HBOC); Breast and ovarian cancer; BRCA1- and BRCA2-Associated Hereditary Breast and Ovarian Cancer; Hereditary breast and ovarian cancer; Hereditary breast and ovarian cancer syndrome. Identifiers: Orphanet 145, MedGen C0677776, MeSH D061325, MONDO:0003582. Disease mechanism: loss of function.
Fanconi anemia complementation group A (FANCA). Also called: Fanconi anemia, group A; FANCA-Related Fanconi Anemia. Identifiers: Orphanet 84, MedGen C3469521, MONDO:0009215, OMIM 227650.

Allele frequency attached by ClinVar (database versions not stated): ExAC 0.43314; 1000 Genomes Project 30x 0.44410.

Submissions (8):

Women's Health and Genetics/Laboratory Corporation of America, LabCorp
Classification: Likely benign. Last evaluated: 2026-03-23. Review status: criteria provided, single submitter. Criteria: LabCorp Variant Classification Summary - May 2015. Collection method: clinical testing. Allele origin: germline.

ARUP Laboratories, Molecular Genetics and Genomics, ARUP Laboratories
Classification: Benign for Fanconi anemia complementation group D2. Last evaluated: 2025-07-14. Review status: criteria provided, single submitter. Criteria: ARUP Molecular Germline Variant Investigation Process 2024. Collection method: clinical testing. Allele origin: germline.

Blueprint Genetics
Classification: Likely benign. Last evaluated: 2024-11-26. Review status: criteria provided, single submitter. Criteria: ACMG Guidelines, 2015. Collection method: clinical testing. Allele origin: germline.

National Health Laboratory Service, Universitas Academic Hospital and University of the Free State
Classification: Benign for Hereditary breast ovarian cancer syndrome. Last evaluated: 2022-04-19. Review status: criteria provided, single submitter. Criteria: ACMG Guidelines, 2015. Collection method: clinical testing. Allele origin: germline. Affected: yes. Observed: 5 variant alleles.

Mendelics
Classification: Benign for Fanconi anemia complementation group A. Last evaluated: 2019-05-28. Review status: criteria provided, single submitter. Criteria: Mendelics Assertion Criteria 2017. Collection method: clinical testing. Allele origin: unknown.

Illumina Laboratory Services, Illumina
Classification: Benign for Fanconi anemia complementation group D2. Last evaluated: 2018-01-13. Review status: criteria provided, single submitter. Criteria: ICSL Variant Classification Criteria 13 December 2019. Collection method: clinical testing. Allele origin: germline.
Comment: This variant was observed in the ICSL laboratory as part of a predisposition screen in an ostensibly healthy population. It had not been previously curated by ICSL or reported in the Human Gene Mutation Database (HGMD: prior to June 1st, 2018), and was therefore a candidate for classification through an automated scoring system. Utilizing variant allele frequency, disease prevalence and penetrance estimates, and inheritance mode, an automated score was calculated to assess if this variant is too frequent to cause the disease. Based on the score and internal cut-off values, a variant classified as benign is not then subjected to further curation. The score for this variant resulted in a classification of benign for this disease.

Labcorp Genetics (formerly Invitae), Labcorp
Classification: Likely benign for Fanconi anemia. Last evaluated: 2017-08-02. Review status: criteria provided, single submitter. Criteria: Invitae Variant Classification Sherloc (09022015). Collection method: clinical testing. Allele origin: germline.

Breakthrough Genomics
Classification: Likely benign. Review status: criteria provided, single submitter. Criteria: ACMG Guidelines, 2015. Collection method: not provided. Allele origin: germline. Inheritance: Autosomal recessive inheritance. Affected: yes.

NM_001018115.3(FANCD2):c.1179T>C (p.Thr393=)

Genes: FANCD2 (FA complementation group D2; plus strand), LOC107303338 (3p25 FANCD2 Alu-mediated recombination region; plus strand). Cytogenetic location: 3p25.3.
Variant type: single nucleotide variant.
Coding change: c.1179T>C on transcript NM_001018115.3 (MANE Select); coding-DNA position 1179, T replaced by C.
Protein change: p.Thr393=; no amino-acid change (threonine 393 retained).
Molecular consequence: synonymous variant.
Genome position (GRCh38, 1-based): chr3:10,046,624, T>C. VCF-style: chr3-10046624-T-C. GRCh37 (hg19) VCF-style: chr3-10088308-T-C.
Other names: NP_001018125.1:p.Thr393=; c.1179T>C, p.Thr393= (NM_001319984.2, NM_001374253.1, NM_001374254.1 and 1 more transcripts).
Identifiers: ClinVar variation 342262 (VCV000342262.26), dbSNP rs72492998, ClinGen allele CA2249542.